The following is an entry in ClinVar:

ClinVar aggregate classification (germline): Pathogenic (1 of 4 stars; one submission).

Conditions:
Familial thoracic aortic aneurysm and aortic dissection (TAAD). Also called: Thoracic aortic aneurysms and dissections. Identifiers: Orphanet 91387, MedGen C4707243, MONDO:0019625.
Marfan syndrome (MFS). Also called: Marfan syndrome type 1; Marfan's syndrome; Marfan syndrome, classic; MARFAN SYNDROME, TYPE I; FBN1-Related Marfan Syndrome. Identifiers: Orphanet 284963, Orphanet 558, MedGen C0024796, MONDO:0007947, OMIM 154700.

Submission:

Labcorp Genetics (formerly Invitae), Labcorp
Classification: Pathogenic for Marfan syndrome; Familial thoracic aortic aneurysm and aortic dissection. Last evaluated: 2020-07-07. Review status: criteria provided, single submitter. Criteria: Invitae Variant Classification Sherloc (09022015). Collection method: clinical testing. Allele origin: germline.
Comment: For these reasons, this variant has been classified as Pathogenic. Donor and acceptor splice site variants typically lead to a loss of protein function (PMID: 16199547), and loss-of-function variants in FBN1 are known to be pathogenic (PMID: 17657824, 19293843). Disruption of this splice site has been observed in individual(s) with Marfan syndrome (PMID: 16222657, Invitae). This variant is not present in population databases (ExAC no frequency). This sequence change affects an acceptor splice site in intron 60 of the FBN1 gene. It is expected to disrupt RNA splicing and likely results in an absent or disrupted protein product.

Literature cited by the submitters: PubMed 16199547; PubMed 17657824; PubMed 19293843; PubMed 16222657.

NM_000138.5(FBN1):c.7454-1G>C

Gene: FBN1 (fibrillin 1; minus strand). Cytogenetic location: 15q21.1.
Variant type: single nucleotide variant.
Coding change: c.7454-1G>C on transcript NM_000138.5 (MANE Select); the canonical splice acceptor site of the intron before coding-DNA position 7454, G replaced by C.
Molecular consequence: splice acceptor variant.
Genome position (GRCh38, 1-based): chr15:48,422,069, C>G on the plus strand (G>C on the coding strand, the complement: FBN1 is on the minus strand). VCF-style: chr15-48422069-C-G. GRCh37 (hg19) VCF-style: chr15-48714266-C-G.
Other names: c.7454-1G>C (NM_001406716.1).
Identifiers: ClinVar variation 1073164 (VCV001073164.9), dbSNP rs2141222615, ClinGen allele CA392326293.